The following is an entry in ClinVar:

ClinVar aggregate classification (germline): Uncertain significance. Review status: criteria provided, multiple submitters, no conflicts (2 of 4 stars). 2 submissions from 2 submitters: Uncertain significance (2). Last evaluated 2025-12-01.

Conditions:
DICER1-related tumor predisposition. Also called: DICER1 syndrome; DICER1-related pleuropulmonary blastoma cancer predisposition syndrome. Identifiers: Orphanet 284343, MedGen C3839822, MONDO:0100216.
Hereditary cancer-predisposing syndrome. Also called: Neoplastic Syndromes, Hereditary; Hereditary Cancer Syndrome; Hereditary neoplastic syndrome; Tumor predisposition. Identifiers: Orphanet 140162, MedGen C0027672, MeSH D009386, MONDO:0015356.

Submissions (2):

Ambry Genetics
Classification: Uncertain significance for Hereditary cancer-predisposing syndrome. Last evaluated: 2025-12-01. Review status: criteria provided, single submitter. Criteria: Ambry Variant Classification Scheme 2023. Collection method: clinical testing. Allele origin: germline.
Comment: The p.S1158I variant (also known as c.3473G>T), located in coding exon 20 of the DICER1 gene, results from a G to T substitution at nucleotide position 3473. The serine at codon 1158 is replaced by isoleucine, an amino acid with dissimilar properties. This amino acid position is conserved. In addition, this alteration is predicted to be tolerated by in silico analysis. Based on the available evidence, the clinical significance of this variant remains unclear.

Labcorp Genetics (formerly Invitae), Labcorp
Classification: Uncertain significance for DICER1-related tumor predisposition. Last evaluated: 2024-03-03. Review status: criteria provided, single submitter. Criteria: Invitae Variant Classification Sherloc (09022015). Collection method: clinical testing. Allele origin: germline.
Comment: This sequence change replaces serine, which is neutral and polar, with isoleucine, which is neutral and non-polar, at codon 1158 of the DICER1 protein (p.Ser1158Ile). This variant is not present in population databases (gnomAD no frequency). This variant has not been reported in the literature in individuals affected with DICER1-related conditions. Advanced modeling of protein sequence and biophysical properties (such as structural, functional, and spatial information, amino acid conservation, physicochemical variation, residue mobility, and thermodynamic stability) performed at Invitae indicates that this missense variant is not expected to disrupt DICER1 protein function with a negative predictive value of 80%. In summary, the available evidence is currently insufficient to determine the role of this variant in disease. Therefore, it has been classified as a Variant of Uncertain Significance.

NM_177438.3(DICER1):c.3473G>T (p.Ser1158Ile)

Gene: DICER1 (dicer 1, ribonuclease III; minus strand). Cytogenetic location: 14q32.13.
Variant type: single nucleotide variant.
Coding change: c.3473G>T on transcript NM_177438.3 (MANE Select); coding-DNA position 3473, G replaced by T.
Protein change: p.Ser1158Ile; replaces serine 1158 with isoleucine.
Molecular consequence: missense variant. On other transcripts: non-coding transcript variant (6).
Genome position (GRCh38, 1-based): chr14:95,103,923, C>A on the plus strand (G>T on the coding strand, the complement: DICER1 is on the minus strand). VCF-style: chr14-95103923-C-A. GRCh37 (hg19) VCF-style: chr14-95570260-C-A.
Other names: c.3473G>T, p.Ser1158Ile (NM_001195573.1, NM_001271282.3, NM_001291628.2 and 12 more transcripts); c.3191G>T, p.Ser1064Ile (NM_001395686.1); c.3068G>T, p.Ser1023Ile (NM_001395687.1, NM_001395688.1, NM_001395689.1 and 2 more transcripts); c.2906G>T, p.Ser969Ile (NM_001395691.1); c.1790G>T, p.Ser597Ile (NM_001395697.1); short protein forms S1064I, S1023I, S1158I, S597I, S969I.
Identifiers: ClinVar variation 3716797 (VCV003716797.3).